The following is an entry in ClinVar:

NM_001374353.1(GLI2):c.350C>G (p.Ala117Gly)

Gene: GLI2 (GLI family zinc finger 2; plus strand). Cytogenetic location: 2q14.2.
Variant type: single nucleotide variant.
Coding change: c.350C>G on transcript NM_001374353.1 (MANE Select); coding-DNA position 350, C replaced by G.
Protein change: p.Ala117Gly; replaces alanine 117 with glycine.
Molecular consequence: missense variant. On other transcripts: 5 prime UTR variant (1).
Genome position (GRCh38, 1-based): chr2:120,951,338, C>G. VCF-style: chr2-120951338-C-G. GRCh37 (hg19) VCF-style: chr2-121708914-C-G.
Other names: c.350C>G, p.Ala117Gly (NM_001371271.1, NM_005270.5); c.-26C>G (NM_001374354.1); short protein forms A117G.
Identifiers: ClinVar variation 3366516 (VCV003366516.1).

ClinVar aggregate classification (germline): Uncertain significance (1 of 4 stars; one submission).

gnomAD v4.1: 7 of 1,576,864 alleles (0.00044%); highest among the groups gnomAD compares: South Asian, 0.0044%; no homozygotes.

Submission:

Women's Health and Genetics/Laboratory Corporation of America, LabCorp
Classification: Uncertain significance. Last evaluated: 2024-08-02. Review status: criteria provided, single submitter. Criteria: LabCorp Variant Classification Summary - May 2015. Collection method: clinical testing. Allele origin: germline.
Comment: Variant summary: GLI2 c.350C>G (p.Ala117Gly) results in a non-conservative amino acid change in the encoded protein sequence. Three of five in-silico tools predict a benign effect of the variant on protein function. The variant allele was found at a frequency of 1.6e-05 in 250334 control chromosomes. The available data on variant occurrences in the general population are insufficient to allow any conclusion about variant significance. To our knowledge, no occurrence of c.350C>G in individuals affected with GLI2-Related Disorders and no experimental evidence demonstrating its impact on protein function have been reported. No submitters have cited clinical-significance assessments for this variant to ClinVar. Based on the evidence outlined above, the variant was classified as uncertain significance.